The following is an entry in ClinVar:

ClinVar aggregate classification (germline): Uncertain significance (1 of 4 stars; one submission).

Conditions:
Creatine transporter deficiency (CCDS1). Also called: CEREBRAL CREATINE DEFICIENCY SYNDROME 1; Mental retardation , X-linked with seizures, short stature and midface hypoplasia; Mental retardation , X-linked, with creatine transport deficiency; X-linked creatine transporter deficiency; X-linked creatine deficiency syndrome; SLC6A8-Related Creatine Transporter Deficiency. Identifiers: Orphanet 52503, MedGen C1845862, MONDO:0010305, OMIM 300352.

Submission:

Labcorp Genetics (formerly Invitae), Labcorp
Classification: Uncertain significance for Creatine transporter deficiency. Last evaluated: 2022-07-05. Review status: criteria provided, single submitter. Criteria: Invitae Variant Classification Sherloc (09022015). Collection method: clinical testing. Allele origin: germline.
Comment: This variant is not present in population databases (gnomAD no frequency). This sequence change replaces glycine, which is neutral and non-polar, with arginine, which is basic and polar, at codon 301 of the SLC6A8 protein (p.Gly301Arg). In summary, the available evidence is currently insufficient to determine the role of this variant in disease. Therefore, it has been classified as a Variant of Uncertain Significance. Advanced modeling of protein sequence and biophysical properties (such as structural, functional, and spatial information, amino acid conservation, physicochemical variation, residue mobility, and thermodynamic stability) performed at Invitae indicates that this missense variant is not expected to disrupt SLC6A8 protein function. ClinVar contains an entry for this variant (Variation ID: 1518283). This variant has not been reported in the literature in individuals affected with SLC6A8-related conditions.

NM_005629.4(SLC6A8):c.901G>C (p.Gly301Arg)

Gene: SLC6A8 (solute carrier family 6 member 8; plus strand). Cytogenetic location: Xq28.
Variant type: single nucleotide variant.
Coding change: c.901G>C on transcript NM_005629.4 (MANE Select); coding-DNA position 901, G replaced by C.
Protein change: p.Gly301Arg; replaces glycine 301 with arginine.
Molecular consequence: missense variant.
Genome position (GRCh38, 1-based): chrX:153,693,164, G>C. VCF-style: chrX-153693164-G-C. GRCh37 (hg19) VCF-style: chrX-152958619-G-C.
Other names: c.901G>C, p.Gly301Arg (NM_001142805.2); c.556G>C, p.Gly186Arg (NM_001142806.1); short protein forms G186R, G301R.
Identifiers: ClinVar variation 1518283 (VCV001518283.8), dbSNP rs2091466491, ClinGen allele CA415084238.
Genomic context (GRCh38, chrX:153,693,164, plus strand): 5'-CTGCTGCCTGGCGCCCTGGATGGCATCATTTACTATCTCAAGCCTGACTGGTCAAAGCTG[G>C]GGTCCCCTCAGGTGAGGTGGAGGTGGAGAGGCTGCAGCAGGGCGCTGCGGGGGAGCCCTG-3'
Protein context (NP_005620.1, residues 291-311): YYLKPDWSKL[Gly301Arg]SPQVWIDAGT